The following is an entry in ClinVar:

NM_001378414.1(HDAC4):c.1376A>G (p.His459Arg)

Gene: HDAC4 (histone deacetylase 4; minus strand). Cytogenetic location: 2q37.3.
Variant type: single nucleotide variant.
Coding change: c.1376A>G on transcript NM_001378414.1 (MANE Select); coding-DNA position 1376, A replaced by G.
Protein change: p.His459Arg; replaces histidine 459 with arginine.
Molecular consequence: missense variant.
Genome position (GRCh38, 1-based): chr2:239,126,613, T>C on the plus strand (A>G on the coding strand, the complement: HDAC4 is on the minus strand). VCF-style: chr2-239126613-T-C. GRCh37 (hg19) VCF-style: chr2-240048309-T-C.
Other names: c.1376A>G, p.His459Arg (NM_001378415.1); c.1361A>G, p.His454Arg (NM_001378416.1, NM_001378417.1, NM_001435996.1 and 1 more transcripts); c.1295A>G, p.His432Arg (NM_001435991.1, NM_001435992.1, NM_001435994.1); c.1217A>G, p.His406Arg (NM_001435993.1); c.1280A>G, p.His427Arg (NM_001435998.1); short protein forms H406R, H427R, H454R, H459R, H432R.
Identifiers: ClinVar variation 5009804 (VCV005009804.1).

ClinVar aggregate classification (germline): Uncertain significance (1 of 4 stars; one submission).

Submission:

GeneDx
Classification: Uncertain significance. Last evaluated: 2026-02-22. Review status: criteria provided, single submitter. Criteria: GeneDx Variant Classification Process June 2021. Collection method: clinical testing. Allele origin: germline.
Comment: Not observed at significant frequency in large population cohorts (gnomAD); In silico analysis suggests that this missense variant does not alter protein structure/function; Has not been previously published as pathogenic or benign to our knowledge